The following is an entry in ClinVar:

ClinVar aggregate classification (germline): Uncertain significance (1 of 4 stars; one submission).

Conditions:
Inborn genetic diseases. Identifiers: MedGen C0950123, MeSH D030342.

gnomAD v4.1: 1 of 1,605,002 alleles (0.000062%); highest among the groups gnomAD compares: Non-Finnish European, 0.000085%; no homozygotes.

Submission:

Ambry Genetics
Classification: Uncertain significance for Inborn genetic diseases. Last evaluated: 2026-07-03. Review status: criteria provided, single submitter. Criteria: Ambry Variant Classification Scheme 2023. Collection method: clinical testing. Allele origin: germline.
Comment: The c.192C>G (p.D64E) alteration is located in exon 3 (coding exon 2) of the RAB23 gene. This alteration results from a C to G substitution at nucleotide position 192, causing the aspartic acid (D) at amino acid position 64 to be replaced by a glutamic acid (E). Based on data from gnomAD, the G allele has an overall frequency of <0.001% (1/251110) total alleles studied. The highest observed frequency was 0.001% (1/113534) of European (non-Finnish) alleles. Based on insufficient or conflicting evidence, the clinical significance of this alteration remains unclear.

NM_016277.5(RAB23):c.192C>G (p.Asp64Glu)

Gene: RAB23 (RAB23, member RAS oncogene family; minus strand). Cytogenetic location: 6p11.2.
Variant type: single nucleotide variant.
Coding change: c.192C>G on transcript NM_016277.5 (MANE Select); coding-DNA position 192, C replaced by G.
Protein change: p.Asp64Glu; replaces aspartic acid 64 with glutamic acid.
Molecular consequence: missense variant.
Genome position (GRCh38, 1-based): chr6:57,207,677, G>C on the plus strand (C>G on the coding strand, the complement: RAB23 is on the minus strand). VCF-style: chr6-57207677-G-C. GRCh37 (hg19) VCF-style: chr6-57072475-G-C.
Other names: c.192C>G, p.Asp64Glu (NM_001278666.2, NM_001278667.2, NM_001278668.2 and 1 more transcripts); short protein forms D64E.
Identifiers: ClinVar variation 5027677 (VCV005027677.1).